The following is an entry in ClinVar:

ClinVar aggregate classification (germline): Uncertain significance. Review status: criteria provided, multiple submitters, no conflicts (2 of 4 stars). 2 submissions from 2 submitters: Uncertain significance (2). Last evaluated 2025-04-25.

Conditions:
Inborn genetic diseases. Identifiers: MedGen C0950123, MeSH D030342.
Imerslund-Grasbeck syndrome. Also called: Imerslund-Gräsbeck syndrome; Megaloblastic anemia due to inborn errors of metabolism; ENTEROCYTE COBALAMIN MALABSORPTION; ENTEROCYTE INTRINSIC FACTOR RECEPTOR, DEFECT OF; PERNICIOUS ANEMIA, JUVENILE, DUE TO SELECTIVE INTESTINAL MALABSORPTION OF VITAMIN B12, WITH PROTEINURIA. Identifiers: Orphanet 35858, MedGen C4551825, MONDO:0009853.

Submissions (2):

Ambry Genetics
Classification: Uncertain significance for Inborn genetic diseases. Last evaluated: 2025-04-25. Review status: criteria provided, single submitter. Criteria: Ambry Variant Classification Scheme 2023. Collection method: clinical testing. Allele origin: germline.

Labcorp Genetics (formerly Invitae), Labcorp
Classification: Uncertain significance for Imerslund-Grasbeck syndrome. Last evaluated: 2021-11-16. Review status: criteria provided, single submitter. Criteria: Invitae Variant Classification Sherloc (09022015). Collection method: clinical testing. Allele origin: germline.
Comment: The frequency data for this variant in the population databases is considered unreliable, as metrics indicate poor data quality at this position in the gnomAD database. In summary, the available evidence is currently insufficient to determine the role of this variant in disease. Therefore, it has been classified as a Variant of Uncertain Significance. Algorithms developed to predict the effect of missense changes on protein structure and function are either unavailable or do not agree on the potential impact of this missense change (SIFT: "Deleterious"; PolyPhen-2: "Probably Damaging"; Align-GVGD: "Class C0"). This variant has not been reported in the literature in individuals affected with AMN-related conditions. This sequence change replaces proline, which is neutral and non-polar, with serine, which is neutral and polar, at codon 444 of the AMN protein (p.Pro444Ser).

NM_030943.4(AMN):c.1330C>T (p.Pro444Ser)

Gene: AMN (amnion associated transmembrane protein; plus strand). Cytogenetic location: 14q32.32.
Variant type: single nucleotide variant.
Coding change: c.1330C>T on transcript NM_030943.4 (MANE Select); coding-DNA position 1330, C replaced by T.
Protein change: p.Pro444Ser; replaces proline 444 with serine.
Molecular consequence: missense variant.
Genome position (GRCh38, 1-based): chr14:102,930,648, C>T. VCF-style: chr14-102930648-C-T. GRCh37 (hg19) VCF-style: chr14-103396985-C-T.
Other names: c.1330C>T (NM_030943.3); short protein forms P444S.
Identifiers: ClinVar variation 1398618 (VCV001398618.7), dbSNP rs1354241478, ClinGen allele CA391084574.